The following is an entry in ClinVar:

NM_004006.3(DMD):c.10921+133C>T

Gene: DMD (dystrophin; minus strand). Cytogenetic location: Xp21.2.
Variant type: single nucleotide variant.
Coding change: c.10921+133C>T on transcript NM_004006.3 (MANE Select); 133 bases into the intron after coding-DNA position 10921, C replaced by T.
Molecular consequence: intron variant.
Genome position (GRCh38, 1-based): chrX:31,146,158, G>A on the plus strand (C>T on the coding strand, the complement: DMD is on the minus strand). VCF-style: chrX-31146158-G-A. GRCh37 (hg19) VCF-style: chrX-31164275-G-A.
Other names: NC_000023.10:g.31164275G>A; c.10897+133C>T (NM_000109.4); c.6898+133C>T (NM_004011.4); c.6889+133C>T (NM_004012.4); c.3211+133C>T (NM_004023.3, NM_004020.4); c.3502+133C>T (NM_004022.3); c.3541+133C>T (NM_004021.3, NM_004013.3); c.2734+133C>T (NM_004014.3); and 4 more.
Identifiers: ClinVar variation 675810 (VCV000675810.3), dbSNP rs72466536, ClinGen allele CA328402756.

ClinVar aggregate classification (germline): Benign. Review status: criteria provided, multiple submitters, no conflicts (2 of 4 stars). 2 submissions from 2 submitters: Benign (2). Last evaluated 2018-06-14.

Allele frequency attached by ClinVar (database versions not stated): gnomAD 0.02131 and 0.02031; 1000 Genomes Project 0.02278; TOPMed 0.02444; 1000 Genomes Project 30x 0.02185.
gnomAD v4.1: 4,426 of 785,953 alleles (0.56%); highest among the groups gnomAD compares: African/African-American, 7%; 100 homozygotes.

Submissions (7):

GeneDx
Classification: Benign. Last evaluated: 2018-06-14. Review status: criteria provided, single submitter. Criteria: GeneDx Variant Classification (06012015). Collection method: clinical testing. Allele origin: germline. Affected: yes.
Comment: This variant is considered likely benign or benign based on one or more of the following criteria: it is a conservative change, it occurs at a poorly conserved position in the protein, it is predicted to be benign by multiple in silico algorithms, and/or has population frequency not consistent with disease.

Breakthrough Genomics
Classification: Benign. Review status: criteria provided, single submitter. Criteria: ACMG Guidelines, 2015. Collection method: not provided. Allele origin: germline. Inheritance: X-linked inheritance. Affected: yes.

Dr. Peter K. Rogan Lab, Western University
No classification provided (evidence only). Condition: Uterine corpus endometrial carcinoma. Review status: no classification provided. Collection method: in vitro. Allele origin: not applicable. Functional consequence: retained intron. Not counted in ClinVar's aggregate classification.

Dr. Peter K. Rogan Lab, Western University
No classification provided (evidence only). Condition: Sarcoma. Review status: no classification provided. Collection method: in vitro. Allele origin: not applicable. Functional consequence: retained intron. Not counted in ClinVar's aggregate classification.

Dr. Peter K. Rogan Lab, Western University
No classification provided (evidence only). Condition: Ovarian serous cystadenocarcinoma. Review status: no classification provided. Collection method: in vitro. Allele origin: not applicable. Functional consequence: retained intron. Not counted in ClinVar's aggregate classification.

Dr. Peter K. Rogan Lab, Western University
No classification provided (evidence only). Condition: Ovarian serous cystadenocarcinoma. Review status: no classification provided. Collection method: in vitro. Allele origin: not applicable. Functional consequence: retained intron. Not counted in ClinVar's aggregate classification.

Dr. Peter K. Rogan Lab, Western University
No classification provided (evidence only). Condition: Uterine carcinosarcoma. Review status: no classification provided. Collection method: in vitro. Allele origin: not applicable. Functional consequence: retained intron. Not counted in ClinVar's aggregate classification.